The following is an entry in ClinVar:

NM_007294.4(BRCA1):c.2760del (p.Gln921fs)

Gene: BRCA1 (BRCA1 DNA repair associated; minus strand). Cytogenetic location: 17q21.31.
Variant type: Deletion.
Coding change: c.2760del on transcript NM_007294.4 (MANE Select); coding-DNA position 2760, one base deleted (A; older notation c.2760delA).
Protein change: p.Gln921fs; shifts the reading frame from glutamine 921.
Molecular consequence: frameshift variant. On other transcripts: intron variant (137).
Genome position (GRCh38, 1-based): chr17:43,092,771, T deleted on the plus strand (A on the coding strand, the reverse complement: BRCA1 is on the minus strand). VCF-style (leftmost placement, unchanged base first): chr17-43092770-GT-G. GRCh37 (hg19) VCF-style: chr17-41244787-GT-G.
Other names: c.2760del, p.Gln921fs (NM_001407616.1, NM_001407617.1, NM_001407618.1 and 30 more transcripts); c.2757del, p.Gln920fs (NM_001407627.1, NM_001407628.1, NM_001407629.1 and 22 more transcripts); c.2751del, p.Gln918fs (NM_001407646.1, NM_001407647.1); c.2637del, p.Gln880fs (NM_001407648.1, NM_001407664.1, NM_001407665.1 and 19 more transcripts); c.2634del, p.Gln879fs (NM_001407649.1, NM_001407670.1, NM_001407671.1 and 11 more transcripts); c.2682del, p.Gln895fs (NM_001407653.1, NM_001407654.1, NM_001407655.1 and 4 more transcripts); c.2679del, p.Gln894fs (NM_001407659.1, NM_001407660.1, NM_001407661.1 and 1 more transcripts); c.2619del, p.Gln874fs (NM_001407692.1, NM_001407694.1, NM_001407695.1 and 29 more transcripts); and 41 more; short protein forms Q921fs, Q874fs, Q793fs, Q850fs, Q854fs, Q753fs, Q853fs, Q879fs.
Identifiers: ClinVar variation 422417 (VCV000422417.4), dbSNP rs1064795769, ClinGen allele CA16620434.
Genomic context (GRCh38, chr17:43,092,770, plus strand): 5'-TATCAACTGGCTTATCTTTCTGACCAACCACAGGAAAGCCTGCAGTGATATTAACTGTCT[GT>G]ACAGGCTTGATATTAGACTCATTCTTTCCTTGATTTTCTTCCTTTTGTTCACATTCAAAA-3'

ClinVar aggregate classification (germline): Pathogenic. Review status: reviewed by expert panel (3 of 4 stars). 2 submissions from 2 submitters: Pathogenic (1). 1 of the submissions does not count toward it. Last evaluated 2017-12-15.

Conditions:
Breast-ovarian cancer, familial, susceptibility to, 1 (BROVCA1). Also called: BRCA1 Hereditary Breast and Ovarian Cancer; OVARIAN CANCER, SUSCEPTIBILITY TO. Identifiers: Orphanet 145, MedGen C2676676, MONDO:0011450, OMIM 604370. Disease mechanism: loss of function.

Submissions (2):

Evidence-based Network for the Interpretation of Germline Mutant Alleles (ENIGMA)
Classification: Pathogenic for Breast-ovarian cancer, familial, susceptibility to, 1. Last evaluated: 2017-12-15. Review status: reviewed by expert panel. Criteria: ENIGMA BRCA1/2 Classification Criteria (2017-06-29). Collection method: curation. Allele origin: germline. Study: ENIGMA.
Comment: Variant allele predicted to encode a truncated non-functional protein.

GeneDx
Classification: Pathogenic. Last evaluated: 2018-03-27. Review status: criteria provided, single submitter. Criteria: GeneDx Variant Classification (06012015). Collection method: clinical testing. Allele origin: germline. Affected: yes. Not counted in ClinVar's aggregate classification.
Comment: This deletion of one nucleotide in BRCA1 is denoted c.2760delA at the cDNA level and p.Gln921ArgfsX79 (Q921RfsX79) at the protein level. Using alternate nomenclature, this variant would be defined as BRCA1 2879delA. The normal sequence, with the base that is deleted in brackets, is CTGT[delA]CAGA. The deletion causes a frameshift which changes a Glutamine to an Arginine at codon 921, and creates a premature stop codon at position 79 of the new reading frame. Although this variant has not, to our knowledge, been reported in the literature, it is predicted to cause loss of normal protein function through either protein truncation or nonsense-mediated mRNA decay. We consider this variant to be pathogenic.